The following is an entry in ClinVar:

ClinVar aggregate classification (germline): Likely pathogenic (1 of 4 stars; one submission).

Conditions:
Multiple acyl-CoA dehydrogenase deficiency (MADD). Also called: Glutaric Acidemia type 2; ETHYLMALONIC-ADIPICACIDURIA; GA II; Glutaric aciduria, type 2; Glutaric acidemia type II; GA 2. Identifiers: Orphanet 26791, MedGen C0268596, MONDO:0009282, OMIM 231680.

Allele frequency attached by ClinVar (database versions not stated): TOPMed below 0.00001; gnomAD 0.00001.
gnomAD v4.1: 1 of 1,613,432 alleles (0.000062%); highest among the groups gnomAD compares: African/African-American, 0.0013%; no homozygotes.

Submission:

Labcorp Genetics (formerly Invitae), Labcorp
Classification: Likely pathogenic for Multiple acyl-CoA dehydrogenase deficiency. Last evaluated: 2025-10-18. Review status: criteria provided, single submitter. Criteria: Invitae Variant Classification Sherloc (09022015). Collection method: clinical testing. Allele origin: germline.
Comment: This sequence change replaces proline, which is neutral and non-polar, with threonine, which is neutral and polar, at codon 612 of the ETFDH protein (p.Pro612Thr). This variant is not present in population databases (gnomAD no frequency). This missense change has been observed in individual(s) with clinical features of multiple acyl-CoA dehydrogenase deficiency (internal data). In at least one individual the data is consistent with being in trans (on the opposite chromosome) from a pathogenic variant. ClinVar contains an entry for this variant (Variation ID: 2162010). Invitae Evidence Modeling of protein sequence and biophysical properties (such as structural, functional, and spatial information, amino acid conservation, physicochemical variation, residue mobility, and thermodynamic stability) indicates that this missense variant is expected to disrupt ETFDH protein function with a positive predictive value of 80%. In summary, the currently available evidence indicates that the variant is pathogenic, but additional data are needed to prove that conclusively. Therefore, this variant has been classified as Likely Pathogenic.

NM_004453.4(ETFDH):c.1834C>A (p.Pro612Thr)

Gene: ETFDH (electron transfer flavoprotein dehydrogenase; plus strand). Cytogenetic location: 4q32.1.
Variant type: single nucleotide variant.
Coding change: c.1834C>A on transcript NM_004453.4 (MANE Select); coding-DNA position 1834, C replaced by A.
Protein change: p.Pro612Thr; replaces proline 612 with threonine.
Molecular consequence: missense variant.
Genome position (GRCh38, 1-based): chr4:158,708,507, C>A. VCF-style: chr4-158708507-C-A. GRCh37 (hg19) VCF-style: chr4-159629659-C-A.
Other names: c.1693C>A, p.Pro565Thr (NM_001281737.2); c.1651C>A, p.Pro551Thr (NM_001281738.1); short protein forms P612T, P551T, P565T.
Identifiers: ClinVar variation 2162010 (VCV002162010.4), dbSNP rs1774704452, ClinGen allele CA358566957.